The following is an entry in ClinVar:

NM_020699.4(GATAD2B):c.230A>G (p.Glu77Gly)

Gene: GATAD2B (GATA zinc finger domain containing 2B; minus strand). Cytogenetic location: 1q21.3.
Variant type: single nucleotide variant.
Coding change: c.230A>G on transcript NM_020699.4 (MANE Select); coding-DNA position 230, A replaced by G.
Protein change: p.Glu77Gly; replaces glutamic acid 77 with glycine.
Molecular consequence: missense variant.
Genome position (GRCh38, 1-based): chr1:153,828,118, T>C on the plus strand (A>G on the coding strand, the complement: GATAD2B is on the minus strand). VCF-style: chr1-153828118-T-C. GRCh37 (hg19) VCF-style: chr1-153800594-T-C.
Other names: short protein forms E77G.
Identifiers: ClinVar variation 1029766 (VCV001029766.1), dbSNP rs1674946246, ClinGen allele CA342540430.

ClinVar aggregate classification (germline): Uncertain significance (1 of 4 stars; one submission).

Conditions:
Severe intellectual disability-poor language-strabismus-grimacing face-long fingers syndrome (GAND). Also called: GAND SYNDROME. Identifiers: Orphanet 363686, MedGen C3554448, MONDO:0014034, OMIM 615074.

Submission:

Baylor Genetics
Classification: Uncertain significance for Severe intellectual disability-poor language-strabismus-grimacing face-long fingers syndrome. Last evaluated: 2019-11-20. Review status: criteria provided, single submitter. Criteria: ACMG Guidelines, 2015. Collection method: clinical testing. Allele origin: unknown. Affected: yes.
Comment: This variant was determined to be of uncertain significance according to ACMG Guidelines, 2015 [PMID:25741868].